The following is an entry in ClinVar:

NM_004360.5(CDH1):c.1143G>A (p.Lys381=)

Gene: CDH1 (cadherin 1; plus strand). Cytogenetic location: 16q22.1.
Variant type: single nucleotide variant.
Coding change: c.1143G>A on transcript NM_004360.5 (MANE Select); coding-DNA position 1143, G replaced by A.
Protein change: p.Lys381=; no amino-acid change (lysine 381 retained).
Molecular consequence: synonymous variant. On other transcripts: 5 prime UTR variant (2), intron variant (1).
Genome position (GRCh38, 1-based): chr16:68,813,318, G>A. VCF-style: chr16-68813318-G-A. GRCh37 (hg19) VCF-style: chr16-68847221-G-A.
Other names: c.1143G>A (NM_004360.4, LRG_301t1); c.-473G>A (NM_001317185.2); c.-677G>A (NM_001317186.2); c.1137+1055G>A (NM_001317184.2).
Identifiers: ClinVar variation 406665 (VCV000406665.18), dbSNP rs143727462, ClinGen allele CA8130015.

ClinVar aggregate classification (germline): Benign/Likely benign. Review status: criteria provided, multiple submitters, no conflicts (2 of 4 stars). 5 submissions from 5 submitters: Benign (1); Likely benign (3). 1 of the submissions does not count toward it. Last evaluated 2025-12-05.

Conditions:
CDH1-related disorder. Also called: CDH1-related condition.
Hereditary cancer-predisposing syndrome. Also called: Tumor predisposition; Neoplastic Syndromes, Hereditary; Hereditary Cancer Syndrome; Hereditary neoplastic syndrome. Identifiers: Orphanet 140162, MedGen C0027672, MeSH D009386, MONDO:0015356.
Hereditary diffuse gastric adenocarcinoma (HDGC). Also called: DIFFUSE GASTRIC AND LOBULAR BREAST CANCER SYNDROME. Identifiers: Orphanet 26106, MedGen C1708349, MONDO:0007648, OMIM 137215.

gnomAD v4.1: 6 of 1,614,158 alleles (0.00037%); highest among the groups gnomAD compares: Non-Finnish European, 0.00034%; no homozygotes.

Submissions (5):

Labcorp Genetics (formerly Invitae), Labcorp
Classification: Likely benign for Hereditary diffuse gastric adenocarcinoma. Last evaluated: 2025-12-05. Review status: criteria provided, single submitter. Criteria: Invitae Variant Classification Sherloc (09022015). Collection method: clinical testing. Allele origin: germline.

Myriad Genetics, Inc.
Classification: Benign for Hereditary diffuse gastric adenocarcinoma. Last evaluated: 2024-09-18. Review status: criteria provided, single submitter. Criteria: Myriad Autosomal Dominant, Autosomal Recessive and X-Linked Classification Criteria (2023). Collection method: clinical testing. Allele origin: unknown.
Comment: This variant is considered benign. This variant is a silent/synonymous amino acid change and it is not expected to impact splicing.

Ambry Genetics
Classification: Likely benign for Hereditary cancer-predisposing syndrome. Last evaluated: 2024-03-18. Review status: criteria provided, single submitter. Criteria: Ambry Variant Classification Scheme 2023. Collection method: clinical testing. Allele origin: germline.

Color Diagnostics, LLC DBA Color Health
Classification: Likely benign for Hereditary cancer-predisposing syndrome. Last evaluated: 2023-12-04. Review status: criteria provided, single submitter. Criteria: ACMG Guidelines, 2015. Collection method: clinical testing. Allele origin: germline.

PreventionGenetics, part of Exact Sciences
Classification: Likely benign for CDH1-related condition. Last evaluated: 2024-06-12. Review status: no assertion criteria provided. Collection method: clinical testing. Allele origin: germline. Not counted in ClinVar's aggregate classification.
Comment: This variant is classified as likely benign based on ACMG/AMP sequence variant interpretation guidelines (Richards et al. 2015 PMID: 25741868, with internal and published modifications).